The following is an entry in ClinVar:

NM_000535.7(PMS2):c.2586C>T (p.Asn862=)

Gene: PMS2 (PMS1 homolog 2, mismatch repair system component; minus strand). Cytogenetic location: 7p22.1.
Variant type: single nucleotide variant.
Coding change: c.2586C>T on transcript NM_000535.7 (MANE Select); coding-DNA position 2586, C replaced by T.
Protein change: p.Asn862=; no amino-acid change (asparagine 862 retained).
Molecular consequence: synonymous variant. On other transcripts: non-coding transcript variant (1).
Genome position (GRCh38, 1-based): chr7:5,973,402, G>A on the plus strand (C>T on the coding strand, the complement: PMS2 is on the minus strand). VCF-style: chr7-5973402-G-A. GRCh37 (hg19) VCF-style: chr7-6013033-G-A.
Other names: c.2181C>T, p.Asn727= (NM_001322003.2, NM_001322004.2, NM_001322005.2); c.2430C>T, p.Asn810= (NM_001322006.2); c.2268C>T, p.Asn756= (NM_001322007.2, NM_001322008.2); c.2214C>T, p.Asn738= (NM_001322009.2); c.2025C>T, p.Asn675= (NM_001322010.2); c.1653C>T, p.Asn551= (NM_001322011.2, NM_001322012.2); c.2013C>T, p.Asn671= (NM_001322013.2); c.2619C>T, p.Asn873= (NM_001322014.2); and 1 more.
Identifiers: ClinVar variation 1083953 (VCV001083953.14), dbSNP rs1554292691, ClinGen allele CA453641969.

ClinVar aggregate classification (germline): Benign/Likely benign. Review status: criteria provided, multiple submitters, no conflicts (2 of 4 stars). 4 submissions from 4 submitters: Benign (1); Likely benign (3). Last evaluated 2025-04-17.

Conditions:
Hereditary cancer-predisposing syndrome. Also called: Hereditary Cancer Syndrome; Neoplastic Syndromes, Hereditary; Tumor predisposition; Hereditary neoplastic syndrome. Identifiers: Orphanet 140162, MedGen C0027672, MeSH D009386, MONDO:0015356.
Hereditary nonpolyposis colorectal neoplasms. Identifiers: MedGen C0009405, MeSH D003123.
Lynch syndrome 4 (LYNCH4). Also called: Colorectal cancer, hereditary nonpolyposis, type 4; Hereditary non-polyposis colorectal cancer, type 4. Identifiers: Orphanet 144, MedGen C1838333, MONDO:0013699, OMIM 614337. Disease mechanism: loss of function.

Submissions (4):

Labcorp Genetics (formerly Invitae), Labcorp
Classification: Likely benign for Hereditary nonpolyposis colorectal neoplasms. Last evaluated: 2025-04-17. Review status: criteria provided, single submitter. Criteria: Invitae Variant Classification Sherloc (09022015). Collection method: clinical testing. Allele origin: germline.

Myriad Genetics, Inc.
Classification: Benign for Lynch syndrome 4. Last evaluated: 2025-02-04. Review status: criteria provided, single submitter. Criteria: Myriad Autosomal Dominant, Autosomal Recessive and X-Linked Classification Criteria (2023). Collection method: clinical testing. Allele origin: unknown.
Comment: This variant is considered benign. This variant is a silent/synonymous amino acid change and it is not expected to impact splicing.

Ambry Genetics
Classification: Likely benign for Hereditary cancer-predisposing syndrome. Last evaluated: 2022-09-02. Review status: criteria provided, single submitter. Criteria: Ambry Variant Classification Scheme 2023. Collection method: clinical testing. Allele origin: germline.

Color Diagnostics, LLC DBA Color Health
Classification: Likely benign for Hereditary cancer-predisposing syndrome. Last evaluated: 2022-03-21. Review status: criteria provided, single submitter. Criteria: ACMG Guidelines, 2015. Collection method: clinical testing. Allele origin: germline.